The following is an entry in ClinVar:

NM_006017.3(PROM1):c.2458C>T (p.Arg820Cys)

Gene: PROM1 (prominin 1; minus strand). Cytogenetic location: 4p15.32.
Variant type: single nucleotide variant.
Coding change: c.2458C>T on transcript NM_006017.3 (MANE Select); coding-DNA position 2458, C replaced by T.
Protein change: p.Arg820Cys; replaces arginine 820 with cysteine.
Molecular consequence: missense variant.
Genome position (GRCh38, 1-based): chr4:15,980,453, G>A on the plus strand (C>T on the coding strand, the complement: PROM1 is on the minus strand). VCF-style: chr4-15980453-G-A. GRCh37 (hg19) VCF-style: chr4-15982076-G-A.
Other names: c.2431C>T, p.Arg811Cys (NM_001145847.2, NM_001145848.2, NM_001145851.2 and 4 more transcripts); c.2458C>T, p.Arg820Cys (NM_001145849.2, NM_001145850.2); short protein forms R811C, R820C.
Identifiers: ClinVar variation 1474324 (VCV001474324.9), dbSNP rs755446696, ClinGen allele CA2866390.
Genomic context (GRCh38, chr4:15,980,453, plus strand): 5'-CCCACGTCTGTGGAAGCCCACATACTTACTCATCGTACACGTCCTCCGAATCCATTCGAC[G>A]ATAGTACTTAGCCAGTTTTACCGCAAAAATTAGAGCCGGAAGTAAAAATACAGTAGCTTT-3'
Protein context (NP_006008.1, residues 810-830): IFAVKLAKYY[Arg820Cys]RMDSEDVYDD

ClinVar aggregate classification (germline): Uncertain significance. Review status: criteria provided, single submitter (1 of 4 stars). 2 submissions from 2 submitters: Uncertain significance (1). 1 of the submissions does not count toward it. Last evaluated 2025-11-03.

Conditions:
Retinal dystrophy. Also called: Inherited retinal dystrophy. Identifiers: Orphanet 71862, MedGen C0854723, MeSH D058499, MONDO:0019118, HP:0000556.

gnomAD v4.1: 7 of 1,554,746 alleles (0.00045%); highest among the groups gnomAD compares: African/African-American, 0.0014%; no homozygotes.

Submissions (2):

Labcorp Genetics (formerly Invitae), Labcorp
Classification: Uncertain significance. Last evaluated: 2025-11-03. Review status: criteria provided, single submitter. Criteria: Invitae Variant Classification Sherloc (09022015). Collection method: clinical testing. Allele origin: germline.
Comment: This sequence change replaces arginine, which is basic and polar, with cysteine, which is neutral and slightly polar, at codon 820 of the PROM1 protein (p.Arg820Cys). The frequency data for this variant in the population databases is considered unreliable, as metrics indicate poor data quality at this position in the gnomAD database. This variant has not been reported in the literature in individuals affected with PROM1-related conditions. ClinVar contains an entry for this variant (Variation ID: 1474324). Invitae Evidence Modeling of protein sequence and biophysical properties (such as structural, functional, and spatial information, amino acid conservation, physicochemical variation, residue mobility, and thermodynamic stability) indicates that this missense variant is expected to disrupt PROM1 protein function with a positive predictive value of 80%. In summary, the available evidence is currently insufficient to determine the role of this variant in disease. Therefore, it has been classified as a Variant of Uncertain Significance.

Institute of Human Genetics, Univ. Regensburg, Univ. Regensburg
Classification: Uncertain significance for Retinal dystrophy. Last evaluated: 2018-01-01. Review status: no assertion criteria provided. Criteria: ACMG Guidelines, 2015. Collection method: clinical testing. Allele origin: germline. Affected: yes. Not counted in ClinVar's aggregate classification.